The following is an entry in ClinVar:

ClinVar aggregate classification (germline): Uncertain significance. Review status: criteria provided, multiple submitters, no conflicts (2 of 4 stars). 2 submissions from 2 submitters: Uncertain significance (2). Last evaluated 2025-12-06.

Conditions:
Familial thoracic aortic aneurysm and aortic dissection (TAAD). Also called: Thoracic aortic aneurysms and dissections. Identifiers: Orphanet 91387, MedGen C4707243, MONDO:0019625.
Ehlers-Danlos syndrome, classic type, 1 (EDSCL1). Also called: EHLERS-DANLOS SYNDROME, GRAVIS TYPE; EHLERS-DANLOS SYNDROME, SEVERE CLASSIC TYPE; Ehlers-Danlos syndrome, type 1; Ehlers-Danlos Syndrome, Classic Type, COL5A1-Related; EDS I. Identifiers: MedGen C0268335, MONDO:0019567, OMIM 130000.

Allele frequency attached by ClinVar (database versions not stated): TOPMed below 0.00001.

Submissions (2):

Labcorp Genetics (formerly Invitae), Labcorp
Classification: Uncertain significance for Ehlers-Danlos syndrome, classic type, 1. Last evaluated: 2025-12-06. Review status: criteria provided, single submitter. Criteria: Invitae Variant Classification Sherloc (09022015). Collection method: clinical testing. Allele origin: germline.
Comment: This sequence change replaces proline, which is neutral and non-polar, with serine, which is neutral and polar, at codon 782 of the COL5A1 protein (p.Pro782Ser). This variant is not present in population databases (gnomAD no frequency). This variant has not been reported in the literature in individuals affected with COL5A1-related conditions. ClinVar contains an entry for this variant (Variation ID: 3230308). Invitae Evidence Modeling of protein sequence and biophysical properties (such as structural, functional, and spatial information, amino acid conservation, physicochemical variation, residue mobility, and thermodynamic stability) indicates that this missense variant is not expected to disrupt COL5A1 protein function with a negative predictive value of 95%. In summary, the available evidence is currently insufficient to determine the role of this variant in disease. Therefore, it has been classified as a Variant of Uncertain Significance.

Ambry Genetics
Classification: Uncertain significance for Familial thoracic aortic aneurysm and aortic dissection. Last evaluated: 2023-10-06. Review status: criteria provided, single submitter. Criteria: Ambry Variant Classification Scheme 2023. Collection method: clinical testing. Allele origin: germline.
Comment: The p.P782S variant (also known as c.2344C>T), located in coding exon 27 of the COL5A1 gene, results from a C to T substitution at nucleotide position 2344. The proline at codon 782 is replaced by serine, an amino acid with similar properties. This amino acid position is highly conserved in available vertebrate species. In addition, the in silico prediction for this alteration is inconclusive. Since supporting evidence is limited at this time, the clinical significance of this alteration remains unclear.

NM_000093.5(COL5A1):c.2344C>T (p.Pro782Ser)

Gene: COL5A1 (collagen type V alpha 1 chain; plus strand). Cytogenetic location: 9q34.3.
Variant type: single nucleotide variant.
Coding change: c.2344C>T on transcript NM_000093.5 (MANE Select); coding-DNA position 2344, C replaced by T.
Protein change: p.Pro782Ser; replaces proline 782 with serine.
Molecular consequence: missense variant.
Genome position (GRCh38, 1-based): chr9:134,774,871, C>T. VCF-style: chr9-134774871-C-T. GRCh37 (hg19) VCF-style: chr9-137666717-C-T.
Other names: c.2344C>T, p.Pro782Ser (NM_001278074.1); short protein forms P782S.
Identifiers: ClinVar variation 3230308 (VCV003230308.2), dbSNP rs1836997113, ClinGen allele CA375451862.
Genomic context (GRCh38, chr9:134,774,871, plus strand): 5'-ACCTCCACACTGGCATGGGGCTAACGGTCTTTTTCTGTTTGGTTTTAGGGTCCACCTGGC[C>T]CCCAGGGTCCGATTGGCTACCCAGGTCCTCGAGGAGTCAAGGTGAGAGAGACTCACGCCA-3'
Protein context (NP_000084.3, residues 772-792): GEKGGQGPPG[Pro782Ser]QGPIGYPGPR